The following is an entry in ClinVar:

ClinVar aggregate classification (germline): Uncertain significance (1 of 4 stars; one submission).

Conditions:
Infantile myofibromatosis (IMF). Also called: Congenital generalized fibromatosis. Identifiers: Orphanet 2591, MedGen C0432284, MONDO:0016824.
Skeletal overgrowth-craniofacial dysmorphism-hyperelastic skin-white matter lesions syndrome. Also called: SKELETAL OVERGROWTH WITH FACIAL DYSMORPHISM, HYPERELASTIC SKIN, WHITE MATTER LESIONS, AND NEUROLOGIC DETERIORATION; Kosaki overgrowth syndrome. Identifiers: Orphanet 477831, MedGen C4225270, MONDO:0014704, OMIM 616592.
Basal ganglia calcification, idiopathic, 4 (PFBC4). Also called: Familial Idiopathic Basal Ganglia Calcification 4; PRIMARY FAMILIAL BRAIN CALCIFICATION 4, AUTOSOMAL DOMINANT. Identifiers: Orphanet 1980, MedGen C3554321, MONDO:0014004, OMIM 615007.
Acroosteolysis-keloid-like lesions-premature aging syndrome. Also called: Premature aging syndrome, Penttinen type; Prematurely aged appearance, delayed bone maturation, acro-osteolysis, and brachydactyly; Progeroid syndrome, Penttinen type. Identifiers: Orphanet 363665, MedGen C1866182, MONDO:0011150, OMIM 601812.

Submission:

Labcorp Genetics (formerly Invitae), Labcorp
Classification: Uncertain significance for Basal ganglia calcification, idiopathic, 4; Skeletal overgrowth-craniofacial dysmorphism-hyperelastic skin-white matter lesions syndrome; Infantile myofibromatosis; Acroosteolysis-keloid-like lesions-premature aging syndrome. Last evaluated: 2025-03-31. Review status: criteria provided, single submitter. Criteria: Invitae Variant Classification Sherloc (09022015). Collection method: clinical testing. Allele origin: germline.
Comment: This sequence change replaces threonine, which is neutral and polar, with isoleucine, which is neutral and non-polar, at codon 192 of the PDGFRB protein (p.Thr192Ile). This variant is not present in population databases (gnomAD no frequency). This variant has not been reported in the literature in individuals affected with PDGFRB-related conditions. ClinVar contains an entry for this variant (Variation ID: 2415805). Invitae Evidence Modeling of protein sequence and biophysical properties (such as structural, functional, and spatial information, amino acid conservation, physicochemical variation, residue mobility, and thermodynamic stability) indicates that this missense variant is not expected to disrupt PDGFRB protein function with a negative predictive value of 80%. In summary, the available evidence is currently insufficient to determine the role of this variant in disease. Therefore, it has been classified as a Variant of Uncertain Significance.

NM_002609.4(PDGFRB):c.575C>T (p.Thr192Ile)

Gene: PDGFRB (platelet derived growth factor receptor beta; minus strand). Cytogenetic location: 5q32.
Variant type: single nucleotide variant.
Coding change: c.575C>T on transcript NM_002609.4 (MANE Select); coding-DNA position 575, C replaced by T.
Protein change: p.Thr192Ile; replaces threonine 192 with isoleucine.
Molecular consequence: missense variant.
Genome position (GRCh38, 1-based): chr5:150,134,806, G>A on the plus strand (C>T on the coding strand, the complement: PDGFRB is on the minus strand). VCF-style: chr5-150134806-G-A. GRCh37 (hg19) VCF-style: chr5-149514369-G-A.
Other names: c.383C>T, p.Thr128Ile (NM_001355016.2); c.58C>T, p.Pro20Ser (NM_001355017.2); short protein forms P20S, T128I, T192I.
Identifiers: ClinVar variation 2415805 (VCV002415805.8), dbSNP rs773564134, ClinGen allele CA361725060.